The following is an entry in ClinVar:

NM_181486.4(TBX5):c.1532T>A (p.Val511Glu)

Gene: TBX5 (T-box transcription factor 5; minus strand). Cytogenetic location: 12q24.21.
Variant type: single nucleotide variant.
Coding change: c.1532T>A on transcript NM_181486.4 (MANE Select); coding-DNA position 1532, T replaced by A.
Protein change: p.Val511Glu; replaces valine 511 with glutamic acid.
Molecular consequence: missense variant.
Genome position (GRCh38, 1-based): chr12:114,355,557, A>T on the plus strand (T>A on the coding strand, the complement: TBX5 is on the minus strand). VCF-style: chr12-114355557-A-T. GRCh37 (hg19) VCF-style: chr12-114793362-A-T.
Other names: c.1532T>A, p.Val511Glu (NM_000192.3); c.1382T>A, p.Val461Glu (NM_080717.4); short protein forms V461E, V511E.
Identifiers: ClinVar variation 5030559 (VCV005030559.1).

ClinVar aggregate classification (germline): Uncertain significance (1 of 4 stars; one submission).

Conditions:
Cardiovascular phenotype. Identifiers: MedGen CN230736.

Submission:

Ambry Genetics
Classification: Uncertain significance for Cardiovascular phenotype. Last evaluated: 2026-07-13. Review status: criteria provided, single submitter. Criteria: Ambry Variant Classification Scheme 2023. Collection method: clinical testing. Allele origin: germline.
Comment: The p.V511E variant (also known as c.1532T>A), located in coding exon 8 of the TBX5 gene, results from a T to A substitution at nucleotide position 1532. The valine at codon 511 is replaced by glutamic acid, an amino acid with dissimilar properties. This amino acid position is conserved. In addition, this alteration is predicted to be deleterious by in silico analysis. Based on the available evidence, the clinical significance of this variant remains unclear.